The following is an entry in ClinVar:

NM_014141.6(CNTNAP2):c.2717G>A (p.Arg906His)

Gene: CNTNAP2 (contactin associated protein 2; plus strand). Cytogenetic location: 7q35.
Variant type: single nucleotide variant.
Coding change: c.2717G>A on transcript NM_014141.6 (MANE Select); coding-DNA position 2717, G replaced by A.
Protein change: p.Arg906His; replaces arginine 906 with histidine.
Molecular consequence: missense variant.
Genome position (GRCh38, 1-based): chr7:148,147,653, G>A. VCF-style: chr7-148147653-G-A. GRCh37 (hg19) VCF-style: chr7-147844745-G-A.
Other names: short protein forms R906H.
Identifiers: ClinVar variation 210742 (VCV000210742.10), dbSNP rs759801195, ClinGen allele CA206942.
Genomic context (GRCh38, chr7:148,147,653, plus strand): 5'-CTGCAGAGAGGAATGTCAAGCAGGCCAGCCTACAGGTGGACCGGCTACCGCAGCAGATCC[G>A]CAAGGCCCCAACAGAAGGCCACACCCGCCTGGAGCTCTACAGCCAGTTATTTGTGGGTAA-3'
Protein context (NP_054860.1, residues 896-916): LQVDRLPQQI[Arg906His]KAPTEGHTRL

ClinVar aggregate classification (germline): Uncertain significance. Review status: criteria provided, multiple submitters, no conflicts (2 of 4 stars). 3 submissions from 3 submitters: Uncertain significance (3). Last evaluated 2023-03-14.

Conditions:
Cortical dysplasia-focal epilepsy syndrome (PTHSL1). Also called: Pitt-Hopkins-like syndrome 1. Identifiers: Orphanet 163681, Orphanet 221150, MedGen C2750246, MONDO:0012400, OMIM 610042.

Allele frequency attached by ClinVar (database versions not stated): TOPMed 0.00005; gnomAD 0.00006.
gnomAD v4.1: 33 of 1,613,800 alleles (0.002%); highest among the groups gnomAD compares: Middle Eastern, 0.016%; no homozygotes.

Submissions (3):

Blueprint Genetics
Classification: Uncertain significance. Last evaluated: 2023-03-14. Review status: criteria provided, single submitter. Criteria: ACMG Guidelines, 2015. Collection method: clinical testing. Allele origin: germline.

Labcorp Genetics (formerly Invitae), Labcorp
Classification: Uncertain significance for Cortical dysplasia-focal epilepsy syndrome. Last evaluated: 2022-08-20. Review status: criteria provided, single submitter. Criteria: Invitae Variant Classification Sherloc (09022015). Collection method: clinical testing. Allele origin: germline.
Comment: This sequence change replaces arginine, which is basic and polar, with histidine, which is basic and polar, at codon 906 of the CNTNAP2 protein (p.Arg906His). This variant is present in population databases (rs759801195, gnomAD 0.01%). This variant has not been reported in the literature in individuals affected with CNTNAP2-related conditions. ClinVar contains an entry for this variant (Variation ID: 210742). Algorithms developed to predict the effect of missense changes on protein structure and function are either unavailable or do not agree on the potential impact of this missense change (SIFT: "Deleterious"; PolyPhen-2: "Benign"; Align-GVGD: "Class C25"). Experimental studies have shown that this missense change does not substantially affect CNTNAP2 function (PMID: 29788201). In summary, the available evidence is currently insufficient to determine the role of this variant in disease. Therefore, it has been classified as a Variant of Uncertain Significance.

Genetic Services Laboratory, University of Chicago
Classification: Uncertain significance. Last evaluated: 2014-10-31. Review status: criteria provided, single submitter. Criteria: ACMG Guidelines, 2015. Collection method: clinical testing. Allele origin: germline.

Literature cited by the submitters: PubMed 29788201 (cited by Labcorp Genetics (formerly Invitae), Labcorp).